The following is an entry in ClinVar:

ClinVar aggregate classification (germline): Uncertain significance. Review status: criteria provided, multiple submitters, no conflicts (2 of 4 stars). 2 submissions from 2 submitters: Uncertain significance (2). Last evaluated 2024-03-25.

Conditions:
Inborn genetic diseases. Identifiers: MedGen C0950123, MeSH D030342.

Submissions (2):

Ambry Genetics
Classification: Uncertain significance for Inborn genetic diseases. Last evaluated: 2024-03-25. Review status: criteria provided, single submitter. Criteria: Ambry Variant Classification Scheme 2023. Collection method: clinical testing. Allele origin: germline.

Labcorp Genetics (formerly Invitae), Labcorp
Classification: Uncertain significance. Last evaluated: 2023-12-23. Review status: criteria provided, single submitter. Criteria: Invitae Variant Classification Sherloc (09022015). Collection method: clinical testing. Allele origin: germline.
Comment: This sequence change replaces aspartic acid, which is acidic and polar, with glycine, which is neutral and non-polar, at codon 157 of the NLGN4X protein (p.Asp157Gly). This variant is not present in population databases (gnomAD no frequency). This variant has not been reported in the literature in individuals affected with NLGN4X-related conditions. An algorithm developed to predict the effect of missense changes on protein structure and function (PolyPhen-2) suggests that this variant is likely to be disruptive. In summary, the available evidence is currently insufficient to determine the role of this variant in disease. Therefore, it has been classified as a Variant of Uncertain Significance.

NM_181332.3(NLGN4X):c.470A>G (p.Asp157Gly)

Gene: NLGN4X (neuroligin 4 X-linked; minus strand). Cytogenetic location: Xp22.31.
Variant type: single nucleotide variant.
Coding change: c.470A>G on transcript NM_181332.3 (MANE Select); coding-DNA position 470, A replaced by G.
Protein change: p.Asp157Gly; replaces aspartic acid 157 with glycine.
Molecular consequence: missense variant.
Genome position (GRCh38, 1-based): chrX:6,150,997, T>C on the plus strand (A>G on the coding strand, the complement: NLGN4X is on the minus strand). VCF-style: chrX-6150997-T-C. GRCh37 (hg19) VCF-style: chrX-6069038-T-C.
Other names: c.470A>G, p.Asp157Gly (NM_001282145.2, NM_001282146.2, NM_020742.4); short protein forms D157G.
Identifiers: ClinVar variation 3299960 (VCV003299960.3).
Genomic context (GRCh38, chrX:6,150,997, plus strand): 5'-CAAATCTCTCTACACACTGCACAAGAGGTATTGTTTTCTGTTCCAGTGAGGTACTCACCA[T>C]CTTCCGTGGGCACGTAGATGTTTAAGTAAAGGCAGTCTTCATTTTGATCTTGAACATAGG-3'
Protein context (NP_851849.1, residues 147-167): LYLNIYVPTE[Asp157Gly]DIHDQNSKKP